The following is an entry in ClinVar:

NM_000180.4(GUCY2D):c.2521G>T (p.Glu841Ter)

Gene: GUCY2D (guanylate cyclase 2D, retinal; plus strand). Cytogenetic location: 17p13.1.
Variant type: single nucleotide variant.
Coding change: c.2521G>T on transcript NM_000180.4 (MANE Select); coding-DNA position 2521, G replaced by T.
Protein change: p.Glu841Ter; replaces glutamic acid 841 with a stop codon.
Molecular consequence: nonsense.
Genome position (GRCh38, 1-based): chr17:8,014,709, G>T. VCF-style: chr17-8014709-G-T. GRCh37 (hg19) VCF-style: chr17-7918027-G-T.
Other names: NM_000180.4(GUCY2D):c.2521G>T; p.Glu841Ter; short protein forms E841*.
Identifiers: ClinVar variation 974643 (VCV000974643.4), dbSNP rs1341592819, ClinGen allele CA397953660.

ClinVar aggregate classification (germline): Pathogenic/Likely pathogenic. Review status: criteria provided, multiple submitters, no conflicts (2 of 4 stars). 3 submissions from 3 submitters: Pathogenic (1); Likely pathogenic (1). 1 of the submissions does not count toward it. Last evaluated 2025-12-17.

Conditions:
GUCY2D retinopathy. Identifiers: MedGen CN305604, MONDO:0100454.
Cone-rod dystrophy 6 (CORD6). Also called: Cone dystrophy progressive; RETINAL CONE DYSTROPHY 2. Identifiers: Orphanet 1872, MedGen C1866293, MONDO:0011143, OMIM 601777.
Leber congenital amaurosis 1 (LCA1). Also called: Congenital absence of the rods and cones; Leber's congenital tapetoretinal degeneration; Leber's congenital tapetoretinal dysplasia; AMAUROSIS CONGENITA OF LEBER I; RETINAL BLINDNESS, CONGENITAL. Identifiers: Orphanet 65, MedGen C2931258, MONDO:0008764, OMIM 204000.

Allele frequency attached by ClinVar (database versions not stated): TOPMed below 0.00001.

Submissions (3):

Labcorp Genetics (formerly Invitae), Labcorp
Classification: Pathogenic for Leber congenital amaurosis 1; Cone-rod dystrophy 6. Last evaluated: 2025-12-17. Review status: criteria provided, single submitter. Criteria: Invitae Variant Classification Sherloc (09022015). Collection method: clinical testing. Allele origin: germline.
Comment: This sequence change creates a premature translational stop signal (p.Glu841*) in the GUCY2D gene. It is expected to result in an absent or disrupted protein product. Loss-of-function variants in GUCY2D are known to be pathogenic (PMID: 10951519, 11328726). This variant is not present in population databases (gnomAD no frequency). This premature translational stop signal has been observed in individual(s) with clinical features of autosomal recessive GUCY2D-related conditions (PMID: 36460718). ClinVar contains an entry for this variant (Variation ID: 974643). For these reasons, this variant has been classified as Pathogenic.

Broad Center for Mendelian Genomics, Broad Institute of MIT and Harvard
Classification: Likely pathogenic for GUCY2D retinopathy. Last evaluated: 2023-01-25. Review status: criteria provided, single submitter. Criteria: ACMG Guidelines, 2015. Collection method: curation. Allele origin: germline. Inheritance: Autosomal recessive inheritance.
Comment: The p.Glu841Ter variant in GUCY2D has not been previously reported in the literature in individuals with GUCY2D retinopathy, but has been identified in 0.0008% (1/125568) of chromosomes by TopMed (dbSNP ID: rs1341592819). Although this variant has been seen in the general population in a heterozygous state, its frequency is low enough to be consistent with a recessive carrier frequency. This variant has also been reported in ClinVar (Variation ID: 974643) and has been interpreted as pathogenic by the Institut Imagine Laboratory of Genetics in Ophthalmology. This nonsense variant leads to a premature termination codon at position 841, which is predicted to lead to a truncated or absent protein. Loss of function of the GUCY2D gene is an established disease mechanism in autosomal recessive GUCY2D retinopathy. In summary, although additional studies are required to fully establish its clinical significance, this variant is likely pathogenic for autosomal recessive GUCY2D retinopathy. ACMG/AMP Criteria applied: PVS1, PM2_Supporting (Richards 2015).

Laboratory of Genetics in Ophthalmology, Institut Imagine
Classification: Pathogenic for Leber congenital amaurosis 1. Review status: no assertion criteria provided. Collection method: research. Allele origin: inherited. Affected: yes. Observed: 1 variant allele. Not counted in ClinVar's aggregate classification.

Literature cited by the submitters: PubMed 10951519 (cited by Labcorp Genetics (formerly Invitae), Labcorp); PubMed 11328726 (cited by Labcorp Genetics (formerly Invitae), Labcorp); PubMed 36460718 (cited by Labcorp Genetics (formerly Invitae), Labcorp).